The following is an entry in ClinVar:

ClinVar aggregate classification (germline): Uncertain significance (1 of 4 stars; one submission).

Submission:

Labcorp Genetics (formerly Invitae), Labcorp
Classification: Uncertain significance. Last evaluated: 2024-04-15. Review status: criteria provided, single submitter. Criteria: Invitae Variant Classification Sherloc (09022015). Collection method: clinical testing. Allele origin: germline.
Comment: This sequence change replaces aspartic acid, which is acidic and polar, with histidine, which is basic and polar, at codon 1668 of the ALPK3 protein (p.Asp1668His). This variant is not present in population databases (gnomAD no frequency). This variant has not been reported in the literature in individuals affected with ALPK3-related conditions. An algorithm developed to predict the effect of missense changes on protein structure and function (PolyPhen-2) suggests that this variant is likely to be disruptive. In summary, the available evidence is currently insufficient to determine the role of this variant in disease. Therefore, it has been classified as a Variant of Uncertain Significance.

NM_020778.5(ALPK3):c.4396G>C (p.Asp1466His)

Gene: ALPK3 (alpha kinase 3; plus strand). Cytogenetic location: 15q25.3.
Variant type: single nucleotide variant.
Coding change: c.4396G>C on transcript NM_020778.5 (MANE Select); coding-DNA position 4396, G replaced by C.
Protein change: p.Asp1466His; replaces aspartic acid 1466 with histidine.
Molecular consequence: missense variant.
Genome position (GRCh38, 1-based): chr15:84,862,901, G>C. VCF-style: chr15-84862901-G-C. GRCh37 (hg19) VCF-style: chr15-85406132-G-C.
Other names: short protein forms D1466H.
Identifiers: ClinVar variation 3649889 (VCV003649889.2).